The following is an entry in ClinVar:

ClinVar aggregate classification (germline): Uncertain significance. Review status: criteria provided, multiple submitters, no conflicts (2 of 4 stars). 5 submissions from 5 submitters: Uncertain significance (5). Last evaluated 2026-04-07.

Conditions:
Inborn genetic diseases. Identifiers: MedGen C0950123, MeSH D030342.

Allele frequency attached by ClinVar (database versions not stated): gnomAD exomes 0.00001; TOPMed 0.00002.
gnomAD v4.1: 11 of 1,613,958 alleles (0.00068%); highest among the groups gnomAD compares: Non-Finnish European, 0.00085%; no homozygotes.

Submissions (5):

Women's Health and Genetics/Laboratory Corporation of America, LabCorp
Classification: Uncertain significance. Last evaluated: 2026-04-07. Review status: criteria provided, single submitter. Criteria: LabCorp Variant Classification Summary - May 2015. Collection method: clinical testing. Allele origin: germline.
Comment: Variant summary: SAMD9 c.2280T>G (p.Cys760Trp) results in a non-conservative amino acid change in the encoded protein sequence. Algorithms developed to predict the effect of missense changes on protein structure and function all suggest that this variant is likely to be disruptive. The variant allele was found at a frequency of 1.2e-05 in 251360 control chromosomes. The available data on variant occurrences in the general population are insufficient to allow any conclusion about variant significance. To our knowledge, no occurrence of c.2280T>G in individuals affected with SAMD9-related conditions and no experimental evidence demonstrating its impact on protein function have been reported. ClinVar contains an entry for this variant (Variation ID: 1337696). Based on the evidence outlined above, the variant was classified as uncertain significance.

Labcorp Genetics (formerly Invitae), Labcorp
Classification: Uncertain significance. Last evaluated: 2025-06-27. Review status: criteria provided, single submitter. Criteria: Invitae Variant Classification Sherloc (09022015). Collection method: clinical testing. Allele origin: germline.
Comment: This sequence change replaces cysteine, which is neutral and slightly polar, with tryptophan, which is neutral and slightly polar, at codon 760 of the SAMD9 protein (p.Cys760Trp). This variant is present in population databases (rs776683023, gnomAD 0.004%). This variant has not been reported in the literature in individuals affected with SAMD9-related conditions. ClinVar contains an entry for this variant (Variation ID: 1337696). Invitae Evidence Modeling of protein sequence and biophysical properties (such as structural, functional, and spatial information, amino acid conservation, physicochemical variation, residue mobility, and thermodynamic stability) has been performed for this missense variant. However, the output from this modeling did not meet the statistical confidence thresholds required to predict the impact of this variant on SAMD9 protein function. In summary, the available evidence is currently insufficient to determine the role of this variant in disease. Therefore, it has been classified as a Variant of Uncertain Significance.

Ambry Genetics
Classification: Uncertain significance for Inborn genetic diseases. Last evaluated: 2024-11-23. Review status: criteria provided, single submitter. Criteria: Ambry Variant Classification Scheme 2023. Collection method: clinical testing. Allele origin: germline.
Comment: The p.C760W variant (also known as c.2280T>G), located in coding exon 1 of the SAMD9 gene, results from a T to G substitution at nucleotide position 2280. The cysteine at codon 760 is replaced by tryptophan, an amino acid with highly dissimilar properties. This amino acid position is conserved. In addition, this alteration is predicted to be deleterious by in silico analysis. Based on the available evidence, the clinical significance of this variant remains unclear.

GeneDx
Classification: Uncertain significance. Last evaluated: 2024-01-19. Review status: criteria provided, single submitter. Criteria: GeneDx Variant Classification Process June 2021. Collection method: clinical testing. Allele origin: germline. Affected: yes.
Comment: Not observed at significant frequency in large population cohorts (gnomAD); In silico analysis supports that this missense variant has a deleterious effect on protein structure/function; Has not been previously published as pathogenic or benign to our knowledge; This variant is associated with the following publications: (PMID: 28545555)

Genetic Services Laboratory, University of Chicago
Classification: Uncertain significance. Last evaluated: 2020-07-31. Review status: criteria provided, single submitter. Criteria: ACMG Guidelines, 2015. Collection method: clinical testing. Allele origin: germline. Affected: no.
Comment: The first variant identified, c.2280T>G, in exon 3 that results in an amino acid change, p.Cys760Trp. This sequence change does not appear to have been previously described in patients with SAMD9-related disorders. This sequence change has been described in the gnomAD database with a low population frequency of 0.001% (dbSNP rs776683023). The p.Cys760Trp change affects a highly conserved amino acid residue of the SAMD9 protein. In-silico pathogenicity prediction tools (SIFT, PolyPhen2, Align GVGD, REVEL) provide contradictory results for the p.Cys760Trp substitution. Due to these contrasting evidences and the lack of functional studies, the clinical significance of the p.Cys760Trp change remains unknown at this time.

NM_017654.4(SAMD9):c.2280T>G (p.Cys760Trp)

Gene: SAMD9 (sterile alpha motif domain containing 9; minus strand). Cytogenetic location: 7q21.2.
Variant type: single nucleotide variant.
Coding change: c.2280T>G on transcript NM_017654.4 (MANE Select); coding-DNA position 2280, T replaced by G.
Protein change: p.Cys760Trp; replaces cysteine 760 with tryptophan.
Molecular consequence: missense variant.
Genome position (GRCh38, 1-based): chr7:93,103,818, A>C on the plus strand (T>G on the coding strand, the complement: SAMD9 is on the minus strand). VCF-style: chr7-93103818-A-C. GRCh37 (hg19) VCF-style: chr7-92733131-A-C.
Other names: c.2280T>G, p.Cys760Trp (NM_001193307.2); short protein forms C760W.
Identifiers: ClinVar variation 1337696 (VCV001337696.11), dbSNP rs776683023, ClinGen allele CA4342862.